The following is an entry in ClinVar:

ClinVar aggregate classification (germline): Likely benign. Review status: criteria provided, single submitter (1 of 4 stars). 2 submissions from 2 submitters: Likely benign (1). 1 of the submissions does not count toward it. Last evaluated 2023-10-17.

Conditions:
COG7-related disorder. Also called: COG7-related condition.
COG7 congenital disorder of glycosylation (CDG2E). Also called: CONGENITAL DISORDER OF GLYCOSYLATION, TYPE IIe; CDG IIe. Identifiers: Orphanet 79333, MedGen C2931010, MONDO:0012118, OMIM 608779.

Allele frequency attached by ClinVar (database versions not stated): gnomAD 0.00001; gnomAD exomes 0.00001; TOPMed 0.00001.
gnomAD v4.1: 21 of 1,613,268 alleles (0.0013%); highest among the groups gnomAD compares: Non-Finnish European, 0.0016%; no homozygotes.

Submissions (2):

Labcorp Genetics (formerly Invitae), Labcorp
Classification: Likely benign for COG7 congenital disorder of glycosylation. Last evaluated: 2023-10-17. Review status: criteria provided, single submitter. Criteria: Invitae Variant Classification Sherloc (09022015). Collection method: clinical testing. Allele origin: germline.

PreventionGenetics, part of Exact Sciences
Classification: Likely benign for COG7-related condition. Last evaluated: 2020-02-25. Review status: no assertion criteria provided. Collection method: clinical testing. Allele origin: germline. Not counted in ClinVar's aggregate classification.
Comment: This variant is classified as likely benign based on ACMG/AMP sequence variant interpretation guidelines (Richards et al. 2015 PMID: 25741868, with internal and published modifications).

NM_153603.4(COG7):c.2147-9C>T

Gene: COG7 (component of oligomeric golgi complex 7; minus strand). Cytogenetic location: 16p12.2.
Variant type: single nucleotide variant.
Coding change: c.2147-9C>T on transcript NM_153603.4 (MANE Select); 9 bases into the intron before coding-DNA position 2147, C replaced by T.
Molecular consequence: intron variant.
Genome position (GRCh38, 1-based): chr16:23,389,095, G>A on the plus strand (C>T on the coding strand, the complement: COG7 is on the minus strand). VCF-style: chr16-23389095-G-A. GRCh37 (hg19) VCF-style: chr16-23400416-G-A.
Other names: c.2147-9C>T (NM_153603.3).
Identifiers: ClinVar variation 3002209 (VCV003002209.4), dbSNP rs1448513281, ClinGen allele CA621661411.
Genomic context (GRCh38, chr16:23,389,095, plus strand): 5'-AGGGTGCGGGACGGCTGCAGGCCCAGGGCATCCATCACGTTGATCAGATAGTCTGTGGGG[G>A]CGGAGAGGAGACAGACAGAGCTCCACAGACTCAGCACCAAGCAGGTCAGAGCCCCACAGG-3'